The following is an entry in ClinVar:

ClinVar aggregate classification (germline): Uncertain significance (1 of 4 stars; one submission).

Conditions:
Autosomal recessive mendelian susceptibility to mycobacterial diseases due to complete RORgamma receptor deficiency. Also called: Immunodeficiency 42. Identifiers: Orphanet 477857, MedGen C5567647, MONDO:0014710, OMIM 616622.

Submission:

Labcorp Genetics (formerly Invitae), Labcorp
Classification: Uncertain significance for Autosomal recessive mendelian susceptibility to mycobacterial diseases due to complete RORgamma receptor deficiency. Last evaluated: 2019-04-03. Review status: criteria provided, single submitter. Criteria: Invitae Variant Classification Sherloc (09022015). Collection method: clinical testing. Allele origin: germline.
Comment: This sequence change replaces arginine with lysine at codon 3 of the RORC protein (p.Arg3Lys). The arginine residue is weakly conserved and there is a small physicochemical difference between arginine and lysine. This variant is not present in population databases (ExAC no frequency). This variant has not been reported in the literature in individuals with RORC-related conditions. Algorithms developed to predict the effect of missense changes on protein structure and function (SIFT, PolyPhen-2, Align-GVGD) all suggest that this variant is likely to be tolerated, but these predictions have not been confirmed by published functional studies and their clinical significance is uncertain. In summary, the available evidence is currently insufficient to determine the role of this variant in disease. Therefore, it has been classified as a Variant of Uncertain Significance.

NM_005060.4(RORC):c.8G>A (p.Arg3Lys)

Gene: RORC (RAR related orphan receptor C; minus strand). Cytogenetic location: 1q21.3.
Variant type: single nucleotide variant.
Coding change: c.8G>A on transcript NM_005060.4 (MANE Select); coding-DNA position 8, G replaced by A.
Protein change: p.Arg3Lys; replaces arginine 3 with lysine.
Molecular consequence: missense variant.
Genome position (GRCh38, 1-based): chr1:151,831,757, C>T on the plus strand (G>A on the coding strand, the complement: RORC is on the minus strand). VCF-style: chr1-151831757-C-T. GRCh37 (hg19) VCF-style: chr1-151804233-C-T.
Other names: short protein forms R3K.
Identifiers: ClinVar variation 844954 (VCV000844954.9), dbSNP rs1652427545, ClinGen allele CA342024265.